The following is an entry in ClinVar:

ClinVar aggregate classification (germline): Uncertain significance (1 of 4 stars; one submission).

Conditions:
RYR1-related disorder. Also called: RYR1-related condition; RYR1-related disorders. Identifiers: MedGen CN239331.

Allele frequency attached by ClinVar (database versions not stated): TOPMed 0.00001.

Submission:

Labcorp Genetics (formerly Invitae), Labcorp
Classification: Uncertain significance for RYR1-related disorder. Last evaluated: 2025-02-14. Review status: criteria provided, single submitter. Criteria: Invitae Variant Classification Sherloc (09022015). Collection method: clinical testing. Allele origin: germline.
Comment: This sequence change replaces aspartic acid, which is acidic and polar, with glutamic acid, which is acidic and polar, at codon 3676 of the RYR1 protein (p.Asp3676Glu). This variant is present in population databases (no rsID available, gnomAD 0.009%). This variant has not been reported in the literature in individuals affected with RYR1-related conditions. ClinVar contains an entry for this variant (Variation ID: 2156985). Invitae Evidence Modeling of protein sequence and biophysical properties (such as structural, functional, and spatial information, amino acid conservation, physicochemical variation, residue mobility, and thermodynamic stability) indicates that this missense variant is not expected to disrupt RYR1 protein function with a negative predictive value of 80%. In summary, the available evidence is currently insufficient to determine the role of this variant in disease. Therefore, it has been classified as a Variant of Uncertain Significance.

NM_000540.3(RYR1):c.11028C>A (p.Asp3676Glu)

Gene: RYR1 (ryanodine receptor 1; plus strand). Cytogenetic location: 19q13.2.
Variant type: single nucleotide variant.
Coding change: c.11028C>A on transcript NM_000540.3 (MANE Select); coding-DNA position 11028, C replaced by A.
Protein change: p.Asp3676Glu; replaces aspartic acid 3676 with glutamic acid.
Molecular consequence: missense variant.
Genome position (GRCh38, 1-based): chr19:38,528,689, C>A. VCF-style: chr19-38528689-C-A. GRCh37 (hg19) VCF-style: chr19-39019329-C-A.
Other names: c.11013C>A, p.Asp3671Glu (NM_001042723.2); short protein forms D3671E, D3676E.
Identifiers: ClinVar variation 2156985 (VCV002156985.2), dbSNP rs1363943948, ClinGen allele CA405649872.
Genomic context (GRCh38, chr19:38,528,689, plus strand): 5'-CTACAAGGCTGCATGGATCCTGACTGAAGACCACAGTTTTGAGGACCGCATGATAGATGA[C>A]CTTTCAGTGAGCTGGGACCCGCCTGGGGGAGTGGGGGGCGAGCTGGATAGGGCTGGGGCG-3'
Protein context (NP_000531.2, residues 3666-3686): DHSFEDRMID[Asp3676Glu]LSKAGEQEEE